The following is an entry in ClinVar:

NM_007294.4(BRCA1):c.4765C>G (p.Arg1589Gly)

Gene: BRCA1 (BRCA1 DNA repair associated; minus strand). Cytogenetic location: 17q21.31.
Variant type: single nucleotide variant.
Coding change: c.4765C>G on transcript NM_007294.4 (MANE Select); coding-DNA position 4765, C replaced by G.
Protein change: p.Arg1589Gly; replaces arginine 1589 with glycine.
Molecular consequence: missense variant. On other transcripts: non-coding transcript variant (1).
Genome position (GRCh38, 1-based): chr17:43,071,149, G>C on the plus strand (C>G on the coding strand, the complement: BRCA1 is on the minus strand). VCF-style: chr17-43071149-G-C. GRCh37 (hg19) VCF-style: chr17-41223166-G-C.
Other names: c.4384C>G, p.Arg1462Gly (NM_001407959.1); c.4381C>G, p.Arg1461Gly (NM_001407960.1, NM_001407962.1); c.4378C>G, p.Arg1460Gly (NM_001407963.1); c.4303C>G, p.Arg1435Gly (NM_001407964.1); c.4258C>G, p.Arg1420Gly (NM_001407965.1); c.3877C>G, p.Arg1293Gly (NM_001407966.1); c.3874C>G, p.Arg1292Gly (NM_001407967.1); c.2161C>G, p.Arg721Gly (NM_001407968.1); and 70 more; short protein forms R1589G, R1610G, R1542G, R485G, R1420G, R1462G, R1500G, R1501G.
Identifiers: ClinVar variation 496389 (VCV000496389.2), dbSNP rs80357002, ClinGen allele CA10591980.

ClinVar aggregate classification (germline): Uncertain significance (1 of 4 stars; one submission).

Submission:

Women's Health and Genetics/Laboratory Corporation of America, LabCorp
Classification: Uncertain significance. Last evaluated: 2017-06-07. Review status: criteria provided, single submitter. Criteria: LabCorp Variant Classification Summary - May 2015. Collection method: clinical testing. Allele origin: germline.
Comment: Variant summary: The BRCA1 c.4765C>G (p.Arg1589Gly) variant involves the alteration of a non-conserved nucleotide and 2/4 in silico tools (SNPsandGO not captured due to low reliability index) predict a benign outcome. However, these predictions have yet to be functionally assessed. This variant is absent in 121346 control chromosomes (ExAC). The variant of interest has not, to our knowledge, been reported in affected individuals via publications and/or reputable databases/clinical diagnostic laboratories; nor evaluated for functional impact by in vivo/vitro studies. Because of the absence of clinical information and the lack of functional studies, the variant is classified as a "Variant of Uncertain Significance (VUS)," until additional information (ie, clinical and functional studies) becomes available.